The following is an entry in ClinVar:

ClinVar aggregate classification (germline): Uncertain significance (1 of 4 stars; one submission).

Submission:

GeneDx
Classification: Uncertain significance. Last evaluated: 2022-02-24. Review status: criteria provided, single submitter. Criteria: GeneDx Variant Classification Process June 2021. Collection method: clinical testing. Allele origin: germline. Affected: yes.
Comment: Not observed at significant frequency in large population cohorts (gnomAD); Frameshift variant predicted to result in protein truncation or nonsense mediated decay in a gene for which loss-of-function is a known mechanism of disease; Has not been previously published as pathogenic or benign to our knowledge

NM_213655.5(WNK1):c.2250dup (p.Ser751fs)

Gene: WNK1 (WNK lysine deficient protein kinase 1; plus strand). Cytogenetic location: 12p13.33.
Variant type: Duplication.
Coding change: c.2250dup on transcript NM_213655.5 (MANE Plus Clinical); coding-DNA position 2250, one base duplicated (C; older notation c.2250dupC).
Protein change: p.Ser751fs; shifts the reading frame from serine 751.
Molecular consequence: frameshift variant. On other transcripts: intron variant (3).
Genome position (GRCh38, 1-based): chr12:865,220, C duplicated; the last of 2 consecutive C bases (chr12:865,219-865,220); duplicating either gives the same sequence. VCF-style (leftmost placement, unchanged base first): chr12-865218-A-AC. GRCh37 (hg19) VCF-style: chr12-974384-A-AC.
Other names: c.2140-2646dup (NM_001184985.2); c.2139+2950dup (NM_018979.4, NM_014823.3); short protein forms S751fs.
Identifiers: ClinVar variation 1708689 (VCV001708689.2), dbSNP rs2548724779, ClinGen allele CA2580086214.